The following is an entry in ClinVar:

NM_001232.4(CASQ2):c.997G>T (p.Val333Leu)

Gene: CASQ2 (calsequestrin 2; minus strand). Cytogenetic location: 1p13.1.
Variant type: single nucleotide variant.
Coding change: c.997G>T on transcript NM_001232.4 (MANE Select); coding-DNA position 997, G replaced by T.
Protein change: p.Val333Leu; replaces valine 333 with leucine.
Molecular consequence: missense variant.
Genome position (GRCh38, 1-based): chr1:115,702,938, C>A on the plus strand (G>T on the coding strand, the complement: CASQ2 is on the minus strand). VCF-style: chr1-115702938-C-A. GRCh37 (hg19) VCF-style: chr1-116245559-C-A.
Other names: short protein forms V333L.
Identifiers: ClinVar variation 1768800 (VCV001768800.2), dbSNP rs763987909, ClinGen allele CA341766604.

ClinVar aggregate classification (germline): Uncertain significance (1 of 4 stars; one submission).

Conditions:
Cardiovascular phenotype. Identifiers: MedGen CN230736.

Submission:

Ambry Genetics
Classification: Uncertain significance for Cardiovascular phenotype. Last evaluated: 2019-08-13. Review status: criteria provided, single submitter. Criteria: Ambry Variant Classification Scheme 2023. Collection method: clinical testing. Allele origin: germline.
Comment: The p.V333L variant (also known as c.997G>T), located in coding exon 10 of the CASQ2 gene, results from a G to T substitution at nucleotide position 997. The valine at codon 333 is replaced by leucine, an amino acid with highly similar properties. This amino acid position is well conserved in available vertebrate species. In addition, the in silico prediction for this alteration is inconclusive. Since supporting evidence is limited at this time, the clinical significance of this alteration remains unclear.